The following is an entry in ClinVar:

NM_014795.4(ZEB2):c.403+18C>T

Gene: ZEB2 (zinc finger E-box binding homeobox 2; minus strand). Cytogenetic location: 2q22.3.
Variant type: single nucleotide variant.
Coding change: c.403+18C>T on transcript NM_014795.4 (MANE Select); 18 bases into the intron after coding-DNA position 403, C replaced by T.
Molecular consequence: intron variant.
Genome position (GRCh38, 1-based): chr2:144,424,778, G>A on the plus strand (C>T on the coding strand, the complement: ZEB2 is on the minus strand). VCF-style: chr2-144424778-G-A. GRCh37 (hg19) VCF-style: chr2-145182345-G-A.
Other names: c.331+4991C>T (NM_001171653.2).
Identifiers: ClinVar variation 137957 (VCV000137957.12), dbSNP rs116404871, ClinGen allele CA199196.
Genomic context (GRCh38, chr2:144,424,778, plus strand): 5'-TCACTGTTTCCTTCCCTGCCTCACTAAACCCACATGACACAGGACAAATGTGATCTGAGC[G>A]TGGCCAACATAACTCACCTGTACCATTGTTAATTGCGGTCTGGATCGTGGCTTCTGGCCC-3'

ClinVar aggregate classification (germline): Benign/Likely benign. Review status: criteria provided, multiple submitters, no conflicts (2 of 4 stars). 5 submissions from 5 submitters: Benign (3); Likely benign (2). Last evaluated 2026-02-03.

Conditions:
Mowat-Wilson syndrome (MOWS). Also called: Classic Mowat-Wilson Syndrome. Identifiers: Orphanet 2152, MedGen C1856113, MONDO:0009341, OMIM 235730.

Allele frequency attached by ClinVar (database versions not stated): gnomAD exomes 0.00050 and 0.00090; ExAC 0.00093; 1000 Genomes Project 30x 0.00219; 1000 Genomes Project 0.00220; gnomAD 0.00280 and 0.00305; ESP Exome Variant Server 0.00308; TOPMed 0.00330.
gnomAD v4.1: 1,164 of 1,613,932 alleles (0.072%); highest among the groups gnomAD compares: African/African-American, 1%; 3 homozygotes.

Submissions (5):

Labcorp Genetics (formerly Invitae), Labcorp
Classification: Benign for Mowat-Wilson syndrome. Last evaluated: 2026-02-03. Review status: criteria provided, single submitter. Criteria: Invitae Variant Classification Sherloc (09022015). Collection method: clinical testing. Allele origin: germline.

Blueprint Genetics
Classification: Likely benign. Last evaluated: 2024-11-25. Review status: criteria provided, single submitter. Criteria: ACMG Guidelines, 2015. Collection method: clinical testing. Allele origin: germline.

Genome-Nilou Lab
Classification: Benign for Mowat-Wilson syndrome. Last evaluated: 2021-11-07. Review status: criteria provided, single submitter. Criteria: ACMG Guidelines, 2015. Collection method: clinical testing. Allele origin: germline. Affected: no.

Molecular Genetics Laboratory, Children's Mercy Hospital and Clinics
Classification: Likely benign. Last evaluated: 2015-03-02. Review status: criteria provided, single submitter. Criteria: ACMG Guidelines, 2015. Collection method: clinical testing. Allele origin: maternal. Affected: no. Observed: 2 variant alleles.
Comment: This variant was interpreted as likely benign based on ACMG evidence categories BS2 BP6.

GeneDx
Classification: Benign. Last evaluated: 2013-03-20. Review status: criteria provided, single submitter. Criteria: GeneDx Variant Classification (06012015). Collection method: clinical testing. Allele origin: germline. Affected: yes.
Comment: This variant is considered likely benign or benign based on one or more of the following criteria: it is a conservative change, it occurs at a poorly conserved position in the protein, it is predicted to be benign by multiple in silico algorithms, and/or has population frequency not consistent with disease.